The following is an entry in ClinVar:

NC_000022.10:g.(?_18900688)_(18923800_?)dup

Gene: PRODH (proline dehydrogenase 1; minus strand). Cytogenetic location: 22q11.21.
Variant type: Duplication.
Identifiers: ClinVar variation 2426294 (VCV002426294.3).

ClinVar aggregate classification (germline): Uncertain significance (1 of 4 stars; one submission).

Conditions:
Proline dehydrogenase deficiency (HYRPRO1). Also called: Hyperprolinemia type 1; PROLINE OXIDASE DEFICIENCY. Identifiers: Orphanet 419, MedGen C0268529, MONDO:0009400, OMIM 239500.

Submission:

Labcorp Genetics (formerly Invitae), Labcorp
Classification: Uncertain significance for Proline dehydrogenase deficiency. Last evaluated: 2022-11-01. Review status: criteria provided, single submitter. Criteria: Invitae Variant Classification Sherloc (09022015). Collection method: clinical testing. Allele origin: germline.
Comment: A copy number gain of the genomic region encompassing the full coding sequence of the PRODH gene has been identified. The boundaries of this event are unknown as they extend beyond the assayed region for this gene and therefore may encompass additional genes. As the precise location of this event is unknown, it may be in tandem or it may be located elsewhere in the genome. A similar copy number variant has been observed in individual(s) with schizophrenia who may also have hyperprolinemia (PMID: 12217952, 25312060). In summary, the available evidence is currently insufficient to determine the role of this variant in disease. Therefore, it has been classified as a Variant of Uncertain Significance.

Literature cited by the submitters: PubMed 12217952; PubMed 25312060.